The following is an entry in ClinVar:

ClinVar aggregate classification (germline): Conflicting classifications of pathogenicity. Review status: criteria provided, conflicting classifications (1 of 4 stars). 4 submissions from 4 submitters: Uncertain significance (2); Likely benign (1). 1 of the submissions does not count toward it. Last evaluated 2023-07-12.

Conditions:
TUB-related disorder. Also called: TUB-related condition.

Allele frequency attached by ClinVar (database versions not stated): gnomAD exomes 0.00003; ExAC 0.00005; TOPMed 0.00005; gnomAD 0.00006.
gnomAD v4.1: 51 of 1,613,670 alleles (0.0032%); highest among the groups gnomAD compares: African/African-American, 0.011%; no homozygotes.

Submissions (4):

Ambry Genetics
Classification: Uncertain significance. Last evaluated: 2023-07-12. Review status: criteria provided, single submitter. Criteria: Ambry Variant Classification Scheme 2023. Collection method: clinical testing. Allele origin: germline.

Blueprint Genetics
Classification: Uncertain significance. Last evaluated: 2023-04-26. Review status: criteria provided, single submitter. Criteria: ACMG Guidelines, 2015. Collection method: clinical testing. Allele origin: germline.

CeGaT Center for Human Genetics Tuebingen
Classification: Likely benign. Last evaluated: 2022-08-01. Review status: criteria provided, single submitter. Criteria: CeGaT Center For Human Genetics Tuebingen Variant Classification Criteria Version 2. Collection method: clinical testing. Allele origin: germline. Affected: yes. Observed: 1 variant allele.
Comment: TUB: BP4

PreventionGenetics, part of Exact Sciences
Classification: Uncertain significance for TUB-related condition. Last evaluated: 2024-09-13. Review status: no assertion criteria provided. Collection method: clinical testing. Allele origin: germline. Not counted in ClinVar's aggregate classification.
Comment: The TUB c.532G>A variant is predicted to result in the amino acid substitution p.Ala178Thr. To our knowledge, this variant has not been reported in the literature. This variant is reported in 0.024% of alleles in individuals of African descent in gnomAD. At this time, the clinical significance of this variant is uncertain due to the absence of conclusive functional and genetic evidence.

NM_177972.3(TUB):c.367G>A (p.Ala123Thr)

Genes: TUB (TUB bipartite transcription factor; plus strand), RIC3 (RIC3 acetylcholine receptor chaperone; minus strand). Cytogenetic location: 11p15.4.
Variant type: single nucleotide variant.
Coding change: c.367G>A on transcript NM_177972.3 (MANE Select); coding-DNA position 367, G replaced by A.
Protein change: p.Ala123Thr; replaces alanine 123 with threonine.
Molecular consequence: missense variant. On other transcripts: non-coding transcript variant (1).
Genome position (GRCh38, 1-based): chr11:8,094,159, G>A. VCF-style: chr11-8094159-G-A. GRCh37 (hg19) VCF-style: chr11-8115706-G-A.
Other names: c.532G>A, p.Ala178Thr (NM_003320.5); c.532G>A (NM_003320.4); short protein forms A123T, A178T.
Identifiers: ClinVar variation 1711316 (VCV001711316.34), dbSNP rs766861656, ClinGen allele CA5871054.